The following is an entry in ClinVar:

NM_000180.4(GUCY2D):c.3167T>C (p.Leu1056Pro)

Gene: GUCY2D (guanylate cyclase 2D, retinal; plus strand). Cytogenetic location: 17p13.1.
Variant type: single nucleotide variant.
Coding change: c.3167T>C on transcript NM_000180.4 (MANE Select); coding-DNA position 3167, T replaced by C.
Protein change: p.Leu1056Pro; replaces leucine 1056 with proline.
Molecular consequence: missense variant.
Genome position (GRCh38, 1-based): chr17:8,016,233, T>C. VCF-style: chr17-8016233-T-C. GRCh37 (hg19) VCF-style: chr17-7919551-T-C.
Other names: short protein forms L1056P.
Identifiers: ClinVar variation 1491525 (VCV001491525.8), dbSNP rs2151804090, ClinGen allele CA397956006.

ClinVar aggregate classification (germline): Uncertain significance (1 of 4 stars; one submission).

Conditions:
Leber congenital amaurosis 1 (LCA1). Also called: Congenital absence of the rods and cones; Leber's congenital tapetoretinal degeneration; Leber's congenital tapetoretinal dysplasia; RETINAL BLINDNESS, CONGENITAL; AMAUROSIS CONGENITA OF LEBER I. Identifiers: Orphanet 65, MedGen C2931258, MONDO:0008764, OMIM 204000.
Cone-rod dystrophy 6 (CORD6). Also called: RETINAL CONE DYSTROPHY 2; Cone dystrophy progressive. Identifiers: Orphanet 1872, MedGen C1866293, MONDO:0011143, OMIM 601777.

Submission:

Labcorp Genetics (formerly Invitae), Labcorp
Classification: Uncertain significance for Leber congenital amaurosis 1; Cone-rod dystrophy 6. Last evaluated: 2020-12-05. Review status: criteria provided, single submitter. Criteria: Invitae Variant Classification Sherloc (09022015). Collection method: clinical testing. Allele origin: germline.
Comment: In summary, the available evidence is currently insufficient to determine the role of this variant in disease. Therefore, it has been classified as a Variant of Uncertain Significance. Algorithms developed to predict the effect of missense changes on protein structure and function are either unavailable or do not agree on the potential impact of this missense change (SIFT: "Deleterious"; PolyPhen-2: "Probably Damaging"; Align-GVGD: "Class C0"). This variant has not been reported in the literature in individuals with GUCY2D-related conditions. This variant is not present in population databases (ExAC no frequency). This sequence change replaces leucine with proline at codon 1056 of the GUCY2D protein (p.Leu1056Pro). The leucine residue is highly conserved and there is a moderate physicochemical difference between leucine and proline.